The following is an entry in ClinVar:

ClinVar aggregate classification (germline): Uncertain significance. Review status: criteria provided, multiple submitters, no conflicts (2 of 4 stars). 2 submissions from 2 submitters: Uncertain significance (2). Last evaluated 2025-12-02.

Conditions:
BAP1-related tumor predisposition syndrome (TPDS1). Also called: TUMOR PREDISPOSITION SYNDROME 1; Tumor susceptibility linked to germline BAP1 mutations; BAP1 tumor predisposition syndrome; COMMON Syndrome. Identifiers: Orphanet 289539, MedGen C3280492, MONDO:0013692, OMIM 614327.
Hereditary cancer-predisposing syndrome. Also called: Neoplastic Syndromes, Hereditary; Hereditary Cancer Syndrome; Tumor predisposition; Hereditary neoplastic syndrome. Identifiers: Orphanet 140162, MedGen C0027672, MeSH D009386, MONDO:0015356.

Allele frequency attached by ClinVar (database versions not stated): gnomAD exomes below 0.00001.
gnomAD v4.1: 1 of 1,614,180 alleles (0.000062%); highest among the groups gnomAD compares: Non-Finnish European, 0.000085%; no homozygotes.

Submissions (2):

Labcorp Genetics (formerly Invitae), Labcorp
Classification: Uncertain significance for BAP1-related tumor predisposition syndrome. Last evaluated: 2025-12-02. Review status: criteria provided, single submitter. Criteria: Invitae Variant Classification Sherloc (09022015). Collection method: clinical testing. Allele origin: germline.
Comment: This sequence change replaces serine, which is neutral and polar, with phenylalanine, which is neutral and non-polar, at codon 520 of the BAP1 protein (p.Ser520Phe). This variant is not present in population databases (gnomAD no frequency). This variant has not been reported in the literature in individuals affected with BAP1-related conditions. ClinVar contains an entry for this variant (Variation ID: 970866). Invitae Evidence Modeling of protein sequence and biophysical properties (such as structural, functional, and spatial information, amino acid conservation, physicochemical variation, residue mobility, and thermodynamic stability) indicates that this missense variant is not expected to disrupt BAP1 protein function with a negative predictive value of 80%. In summary, the available evidence is currently insufficient to determine the role of this variant in disease. Therefore, it has been classified as a Variant of Uncertain Significance.

Ambry Genetics
Classification: Uncertain significance for Hereditary cancer-predisposing syndrome. Last evaluated: 2024-03-26. Review status: criteria provided, single submitter. Criteria: Ambry Variant Classification Scheme 2023. Collection method: clinical testing. Allele origin: germline.
Comment: The p.S520F variant (also known as c.1559C>T), located in coding exon 13 of the BAP1 gene, results from a C to T substitution at nucleotide position 1559. The serine at codon 520 is replaced by phenylalanine, an amino acid with highly dissimilar properties. This amino acid position is highly conserved in available vertebrate species. In addition, the in silico prediction for this alteration is inconclusive. Based on the available evidence, the clinical significance of this alteration remains unclear.

NM_004656.4(BAP1):c.1559C>T (p.Ser520Phe)

Gene: BAP1 (BRCA1 associated deubiquitinase 1; minus strand). Cytogenetic location: 3p21.1.
Variant type: single nucleotide variant.
Coding change: c.1559C>T on transcript NM_004656.4 (MANE Select); coding-DNA position 1559, C replaced by T.
Protein change: p.Ser520Phe; replaces serine 520 with phenylalanine.
Molecular consequence: missense variant.
Genome position (GRCh38, 1-based): chr3:52,403,586, G>A on the plus strand (C>T on the coding strand, the complement: BAP1 is on the minus strand). VCF-style: chr3-52403586-G-A. GRCh37 (hg19) VCF-style: chr3-52437602-G-A.
Other names: c.1559C>T (NM_004656.2); short protein forms S520F.
Identifiers: ClinVar variation 970866 (VCV000970866.8), dbSNP rs1705043510, ClinGen allele CA353100686.